The following is an entry in ClinVar:

NM_000454.5(SOD1):c.19T>G (p.Cys7Gly)

Genes: SOD1 (superoxide dismutase 1; plus strand), SOD1-DT (SOD1 divergent transcript; minus strand). Cytogenetic location: 21q22.11.
Variant type: single nucleotide variant.
Coding change: c.19T>G on transcript NM_000454.5 (MANE Select); coding-DNA position 19, T replaced by G.
Protein change: p.Cys7Gly; replaces cysteine 7 with glycine.
Molecular consequence: missense variant.
Genome position (GRCh38, 1-based): chr21:31,659,788, T>G. VCF-style: chr21-31659788-T-G. GRCh37 (hg19) VCF-style: chr21-33032101-T-G.
Other names: short protein forms C7G.
Identifiers: ClinVar variation 1500897 (VCV001500897.6), dbSNP rs1312702973, ClinGen allele CA410035896.
Genomic context (GRCh38, chr21:31,659,788, plus strand): 5'-TGCAGTCCTCGGAACCAGGACCTCGGCGTGGCCTAGCGAGTTATGGCGACGAAGGCCGTG[T>G]GCGTGCTGAAGGGCGACGGCCCAGTGCAGGGCATCATCAATTTCGAGCAGAAGGCAAGGG-3'
Protein context (NP_000445.1, residues 1-17): MATKAV[Cys7Gly]VLKGDGPVQG

ClinVar aggregate classification (germline): Likely pathogenic (1 of 4 stars; one submission).

Conditions:
Amyotrophic lateral sclerosis type 1 (ALS1). Also called: AMYOTROPHIC LATERAL SCLEROSIS 1, FAMILIAL. Identifiers: Orphanet 803, MedGen C1862939, MONDO:0007103, OMIM 105400.

Allele frequency attached by ClinVar (database versions not stated): gnomAD exomes below 0.00001.

Submission:

Labcorp Genetics (formerly Invitae), Labcorp
Classification: Likely pathogenic for Amyotrophic lateral sclerosis type 1. Last evaluated: 2021-10-31. Review status: criteria provided, single submitter. Criteria: Invitae Variant Classification Sherloc (09022015). Collection method: clinical testing. Allele origin: germline.
Comment: Experimental studies have shown that this missense change affects SOD1 function (PMID: 23280792). In summary, the currently available evidence indicates that the variant is pathogenic, but additional data are needed to prove that conclusively. Therefore, this variant has been classified as Likely Pathogenic. This variant disrupts the p.Cys7 amino acid residue in SOD1. Other variant(s) that disrupt this residue have been determined to be pathogenic (PMID: 21073275, 21329474, 21603025). This suggests that this residue is clinically significant, and that variants that disrupt this residue are likely to be disease-causing. Advanced modeling of protein sequence and biophysical properties (such as structural, functional, and spatial information, amino acid conservation, physicochemical variation, residue mobility, and thermodynamic stability) performed at Invitae indicates that this missense variant is expected to disrupt SOD1 protein function. This variant is also known as p.Cys6Gly. This missense change has been observed in individual(s) with amyotrophic lateral sclerosis (PMID: 10624810). This variant is present in population databases (no rsID available, gnomAD 0.0009%). This sequence change replaces cysteine, which is neutral and slightly polar, with glycine, which is neutral and non-polar, at codon 7 of the SOD1 protein (p.Cys7Gly).

Literature cited by the submitters: PubMed 23280792; PubMed 21073275; PubMed 21329474; PubMed 21603025; PubMed 10624810.